The following is an entry in ClinVar:

NM_000155.4(GALT):c.1060-331G>C

Gene: GALT (galactose-1-phosphate uridylyltransferase; plus strand). Cytogenetic location: 9p13.3.
Variant type: single nucleotide variant.
Coding change: c.1060-331G>C on transcript NM_000155.4 (MANE Select); 331 bases into the intron before coding-DNA position 1060, G replaced by C.
Molecular consequence: intron variant.
Genome position (GRCh38, 1-based): chr9:34,650,038, G>C. VCF-style: chr9-34650038-G-C. GRCh37 (hg19) VCF-style: chr9-34650035-G-C.
Other names: c.733-331G>C (NM_001258332.2).
Identifiers: ClinVar variation 1683765 (VCV001683765.2), dbSNP rs2132347271, ClinGen allele CA2573144516.

ClinVar aggregate classification (germline): Uncertain significance (1 of 4 stars; one submission).

Conditions:
Deficiency of UDPglucose-hexose-1-phosphate uridylyltransferase. Also called: GALT deficiency; Galactosemia, classic; GALACTOSEMIA I; GALACTOSE-1-PHOSPHATE URIDYLYLTRANSFERASE DEFICIENCY; Transferase Deficiency Galactosemia. Identifiers: Orphanet 352, Orphanet 79239, MedGen C0268151, MONDO:0009258, OMIM 230400.

Submission:

Laboratorio de Genetica e Diagnostico Molecular, Hospital Israelita Albert Einstein
Classification: Uncertain significance for Deficiency of UDPglucose-hexose-1-phosphate uridylyltransferase. Last evaluated: 2021-03-12. Review status: criteria provided, single submitter. Criteria: ACMG Guidelines, 2015. Collection method: clinical testing. Allele origin: germline. Affected: yes.
Comment: ACMG classification criteria: PM2